The following is an entry in ClinVar:

NM_001382567.1(STIM1):c.658A>G (p.Ile220Val)

Gene: STIM1 (stromal interaction molecule 1; plus strand). Cytogenetic location: 11p15.4.
Variant type: single nucleotide variant.
Coding change: c.658A>G on transcript NM_001382567.1 (MANE Select); coding-DNA position 658, A replaced by G.
Protein change: p.Ile220Val; replaces isoleucine 220 with valine.
Molecular consequence: missense variant. On other transcripts: non-coding transcript variant (2).
Genome position (GRCh38, 1-based): chr11:4,070,070, A>G. VCF-style: chr11-4070070-A-G. GRCh37 (hg19) VCF-style: chr11-4091300-A-G.
Other names: c.658A>G, p.Ile220Val (NM_001277961.3, NM_001277962.2, NM_001382568.1 and 2 more transcripts); c.436A>G, p.Ile146Val (NM_001382566.1, NM_001382573.1, NM_001382574.1 and 5 more transcripts); c.523A>G, p.Ile175Val (NM_001382569.1); c.430A>G, p.Ile144Val (NM_001382570.1); c.178A>G, p.Ile60Val (NM_001382571.1); c.169A>G, p.Ile57Val (NM_001382580.1, NM_001382581.1); short protein forms I220V, I144V, I146V, I175V, I57V, I60V.
Identifiers: ClinVar variation 834741 (VCV000834741.10), dbSNP rs2094394322, ClinGen allele CA379486048.
Genomic context (GRCh38, chr11:4,070,070, plus strand): 5'-CTCCCCTCTCTGGCAGTGACTCGCCATAATCACCTCAAGGACTTCATGCTGGTGGTGTCT[A>G]TCGTTATTGGTGTGGGCGGCTGCTGGTTTGCCTATATCCAGAACCGTTACTCCAAGGAGC-3'
Protein context (NP_001369496.1, residues 210-230): HLKDFMLVVS[Ile220Val]VIGVGGCWFA

ClinVar aggregate classification (germline): Uncertain significance (1 of 4 stars; one submission).

Conditions:
Combined immunodeficiency due to STIM1 deficiency. Also called: IMMUNODEFICIENCY 10; STIM1 DEFICIENCY. Identifiers: Orphanet 169090, Orphanet 317430, MedGen C2748557, MONDO:0013008, OMIM 612783.
Stormorken syndrome (STRMK). Also called: THROMBOCYTOPATHY, ASPLENIA, AND MIOSIS. Identifiers: Orphanet 3204, MedGen C1861451, MONDO:0008497, OMIM 185070.
Myopathy with tubular aggregates (TAM). Also called: Tubular Aggregate Myopathy. Identifiers: Orphanet 2593, MedGen C0410207, MONDO:0008051.

Allele frequency attached by ClinVar (database versions not stated): gnomAD exomes below 0.00001.
gnomAD v4.1: 6 of 1,614,146 alleles (0.00037%); highest among the groups gnomAD compares: Non-Finnish European, 0.00051%; no homozygotes.

Submission:

Labcorp Genetics (formerly Invitae), Labcorp
Classification: Uncertain significance for Myopathy with tubular aggregates; Combined immunodeficiency due to STIM1 deficiency; Stormorken syndrome. Last evaluated: 2025-01-01. Review status: criteria provided, single submitter. Criteria: Invitae Variant Classification Sherloc (09022015). Collection method: clinical testing. Allele origin: germline.
Comment: This sequence change replaces isoleucine, which is neutral and non-polar, with valine, which is neutral and non-polar, at codon 220 of the STIM1 protein (p.Ile220Val). This variant is not present in population databases (gnomAD no frequency). This variant has not been reported in the literature in individuals affected with STIM1-related conditions. ClinVar contains an entry for this variant (Variation ID: 834741). Invitae Evidence Modeling of protein sequence and biophysical properties (such as structural, functional, and spatial information, amino acid conservation, physicochemical variation, residue mobility, and thermodynamic stability) has been performed for this missense variant. However, the output from this modeling did not meet the statistical confidence thresholds required to predict the impact of this variant on STIM1 protein function. In summary, the available evidence is currently insufficient to determine the role of this variant in disease. Therefore, it has been classified as a Variant of Uncertain Significance.